The following is an entry in ClinVar:

NM_001267550.2(TTN):c.104181G>T (p.Arg34727Ser)

Genes: TTN (titin; minus strand), TTN-AS1 (TTN antisense RNA 1; plus strand). Cytogenetic location: 2q31.2.
Variant type: single nucleotide variant.
Coding change: c.104181G>T on transcript NM_001267550.2 (MANE Select); coding-DNA position 104181, G replaced by T.
Protein change: p.Arg34727Ser; replaces arginine 34727 with serine.
Molecular consequence: missense variant.
Genome position (GRCh38, 1-based): chr2:178,532,434, C>A on the plus strand (G>T on the coding strand, the complement: TTN is on the minus strand). VCF-style: chr2-178532434-C-A. GRCh37 (hg19) VCF-style: chr2-179397161-C-A.
Other names: c.99258G>T, p.Arg33086Ser (NM_001256850.1); c.76986G>T, p.Arg25662Ser (NM_003319.4); c.96477G>T, p.Arg32159Ser (NM_133378.4); c.77361G>T, p.Arg25787Ser (NM_133432.3); c.77562G>T, p.Arg25854Ser (NM_133437.4); short protein forms R25787S, R33086S, R34727S, R25662S, R32159S, R25854S.
Identifiers: ClinVar variation 2024244 (VCV002024244.4), dbSNP rs2468451668, ClinGen allele CA349412297.

ClinVar aggregate classification (germline): Uncertain significance (1 of 4 stars; one submission).

Conditions:
Autosomal recessive limb-girdle muscular dystrophy type 2J (LGMDR10). Also called: Limb-girdle muscular dystrophy, type 2J; MUSCULAR DYSTROPHY, LIMB-GIRDLE, AUTOSOMAL RECESSIVE 10. Identifiers: Orphanet 140922, MedGen C1837342, MONDO:0012127, OMIM 608807.
Dilated cardiomyopathy 1G (CMD1G). Identifiers: Orphanet 154, MedGen C1858763, MONDO:0011400, OMIM 604145.

Submission:

Labcorp Genetics (formerly Invitae), Labcorp
Classification: Uncertain significance for Dilated cardiomyopathy 1G; Autosomal recessive limb-girdle muscular dystrophy type 2J. Last evaluated: 2022-08-16. Review status: criteria provided, single submitter. Criteria: Invitae Variant Classification Sherloc (09022015). Collection method: clinical testing. Allele origin: germline.
Comment: This variant has not been reported in the literature in individuals affected with TTN-related conditions. This variant is not present in population databases (gnomAD no frequency). This sequence change replaces arginine, which is basic and polar, with serine, which is neutral and polar, at codon 34727 of the TTN protein (p.Arg34727Ser). Experimental studies and prediction algorithms are not available or were not evaluated, and the functional significance of this variant is currently unknown. In summary, the available evidence is currently insufficient to determine the role of this variant in disease. Therefore, it has been classified as a Variant of Uncertain Significance. This variant is located in the M band of TTN (PMID: 25589632). Variants in this region may be relevant for neuromuscular disorders, but have not been definitively shown to cause cardiomyopathy (PMID: 23975875).

Literature cited by the submitters: PubMed 25589632; PubMed 23975875.